The following is an entry in ClinVar:

NM_007194.4(CHEK2):c.815C>T (p.Thr272Ile)

Gene: CHEK2 (checkpoint kinase 2; minus strand). Cytogenetic location: 22q12.1.
Variant type: single nucleotide variant.
Coding change: c.815C>T on transcript NM_007194.4 (MANE Select); coding-DNA position 815, C replaced by T.
Protein change: p.Thr272Ile; replaces threonine 272 with isoleucine.
Molecular consequence: missense variant.
Genome position (GRCh38, 1-based): chr22:28,710,037, G>A on the plus strand (C>T on the coding strand, the complement: CHEK2 is on the minus strand). VCF-style: chr22-28710037-G-A. GRCh37 (hg19) VCF-style: chr22-29106025-G-A.
Other names: c.944C>T, p.Thr315Ile (NM_001005735.3); c.152C>T, p.Thr51Ile (NM_001257387.3); c.614C>T, p.Thr205Ile (NM_001349956.3); c.815C>T, p.Thr272Ile (NM_145862.3); short protein forms T51I, T205I, T272I, T315I.
Identifiers: ClinVar variation 839547 (VCV000839547.15), dbSNP rs2053334664, ClinGen allele CA411102428.

ClinVar aggregate classification (germline): Uncertain significance. Review status: criteria provided, multiple submitters, no conflicts (2 of 4 stars). 3 submissions from 3 submitters: Uncertain significance (3). Last evaluated 2025-06-19.

Conditions:
Hereditary cancer-predisposing syndrome. Also called: Neoplastic Syndromes, Hereditary; Tumor predisposition; Hereditary neoplastic syndrome; Hereditary Cancer Syndrome. Identifiers: Orphanet 140162, MedGen C0027672, MeSH D009386, MONDO:0015356.
Familial cancer of breast. Also called: Hereditary breast cancer; hereditary breast carcinoma; BREAST CANCER, FAMILIAL. Identifiers: Orphanet 227535, MedGen C0346153, MONDO:0016419, OMIM 114480. Disease mechanism: loss of function.

Submissions (3):

Labcorp Genetics (formerly Invitae), Labcorp
Classification: Uncertain significance for Familial cancer of breast. Last evaluated: 2025-06-19. Review status: criteria provided, single submitter. Criteria: Invitae Variant Classification Sherloc (09022015). Collection method: clinical testing. Allele origin: germline.
Comment: This sequence change replaces threonine, which is neutral and polar, with isoleucine, which is neutral and non-polar, at codon 272 of the CHEK2 protein (p.Thr272Ile). This variant is not present in population databases (gnomAD no frequency). This variant has not been reported in the literature in individuals affected with CHEK2-related conditions. ClinVar contains an entry for this variant (Variation ID: 839547). An algorithm developed to predict the effect of missense changes on protein structure and function (PolyPhen-2) suggests that this variant is likely to be disruptive. In summary, the available evidence is currently insufficient to determine the role of this variant in disease. Therefore, it has been classified as a Variant of Uncertain Significance.

Ambry Genetics
Classification: Uncertain significance for Hereditary cancer-predisposing syndrome. Last evaluated: 2024-12-12. Review status: criteria provided, single submitter. Criteria: Ambry Variant Classification Scheme 2023. Collection method: clinical testing. Allele origin: germline.
Comment: The p.T272I variant (also known as c.815C>T), located in coding exon 6 of the CHEK2 gene, results from a C to T substitution at nucleotide position 815. The threonine at codon 272 is replaced by isoleucine, an amino acid with similar properties. This amino acid position is conserved. In addition, this alteration is predicted to be deleterious by in silico analysis. Based on the available evidence, the clinical significance of this variant remains unclear.

Color Diagnostics, LLC DBA Color Health
Classification: Uncertain significance for Hereditary cancer-predisposing syndrome. Last evaluated: 2024-03-06. Review status: criteria provided, single submitter. Criteria: ACMG Guidelines, 2015. Collection method: clinical testing. Allele origin: germline.
Comment: This missense variant replaces threonine with isoleucine at codon 272 of the CHEK2 protein. Computational prediction tool suggests that this variant may not impact protein structure and function (internally defined REVEL score threshold <=0.5, PMID: 27666373). Splice site prediction tools suggest that this variant may not impact RNA splicing. To our knowledge, functional studies have not been performed for this variant. This variant has not been reported in individuals affected with hereditary cancer in the literature. This variant has not been identified in the general population by the Genome Aggregation Database (gnomAD). The available evidence is insufficient to determine the role of this variant in disease conclusively. Therefore, this variant is classified as a Variant of Uncertain Significance.